The following is an entry in ClinVar:

NM_002354.3(EPCAM):c.8C>T (p.Pro3Leu)

Gene: EPCAM (epithelial cell adhesion molecule; plus strand). Cytogenetic location: 2p21.
Variant type: single nucleotide variant.
Coding change: c.8C>T on transcript NM_002354.3 (MANE Select); coding-DNA position 8, C replaced by T.
Protein change: p.Pro3Leu; replaces proline 3 with leucine.
Molecular consequence: missense variant.
Genome position (GRCh38, 1-based): chr2:47,369,513, C>T. VCF-style: chr2-47369513-C-T. GRCh37 (hg19) VCF-style: chr2-47596652-C-T.
Other names: short protein forms P3L.
Identifiers: ClinVar variation 3222149 (VCV003222149.1), dbSNP rs1368213809, ClinGen allele CA346721297.

ClinVar aggregate classification (germline): Uncertain significance (1 of 4 stars; one submission).

Conditions:
Hereditary cancer-predisposing syndrome. Also called: Tumor predisposition; Hereditary neoplastic syndrome; Hereditary Cancer Syndrome; Neoplastic Syndromes, Hereditary. Identifiers: Orphanet 140162, MedGen C0027672, MeSH D009386, MONDO:0015356.

Allele frequency attached by ClinVar (database versions not stated): gnomAD exomes below 0.00001.
gnomAD v4.1: 1 of 1,558,152 alleles (0.000064%); highest among the groups gnomAD compares: Non-Finnish European, 0.000086%; no homozygotes.

Submission:

Ambry Genetics
Classification: Uncertain significance for Hereditary cancer-predisposing syndrome. Last evaluated: 2023-09-16. Review status: criteria provided, single submitter. Criteria: Ambry Variant Classification Scheme 2023. Collection method: clinical testing. Allele origin: germline.
Comment: The p.P3L variant (also known as c.8C>T), located in coding exon 1 of the EPCAM gene, results from a C to T substitution at nucleotide position 8. The proline at codon 3 is replaced by leucine, an amino acid with similar properties. This amino acid position is conserved. In addition, this alteration is predicted to be tolerated by in silico analysis. Since supporting evidence is limited at this time, the clinical significance of this alteration remains unclear.